The following is an entry in ClinVar:

NM_020207.7(ERCC6L2):c.2987A>C (p.Lys996Thr)

Gene: ERCC6L2 (ERCC excision repair 6 like 2; plus strand). Cytogenetic location: 9q22.32.
Variant type: single nucleotide variant.
Coding change: c.2987A>C on transcript NM_020207.7 (MANE Select); coding-DNA position 2987, A replaced by C.
Protein change: p.Lys996Thr; replaces lysine 996 with threonine.
Molecular consequence: missense variant. On other transcripts: non-coding transcript variant (1).
Genome position (GRCh38, 1-based): chr9:95,972,738, A>C. VCF-style: chr9-95972738-A-C. GRCh37 (hg19) VCF-style: chr9-98735020-A-C.
Other names: c.2987A>C, p.Lys996Thr (NM_001375291.1, NM_001375292.1, NM_001375293.1 and 1 more transcripts); short protein forms K996T.
Identifiers: ClinVar variation 1338096 (VCV001338096.10), dbSNP rs1361989152, ClinGen allele CA589285450.

ClinVar aggregate classification (germline): Uncertain significance. Review status: criteria provided, multiple submitters, no conflicts (2 of 4 stars). 2 submissions from 2 submitters: Uncertain significance (2). Last evaluated 2024-10-21.

Allele frequency attached by ClinVar (database versions not stated): gnomAD exomes 0.00001.

Submissions (2):

Labcorp Genetics (formerly Invitae), Labcorp
Classification: Uncertain significance. Last evaluated: 2024-10-21. Review status: criteria provided, single submitter. Criteria: Invitae Variant Classification Sherloc (09022015). Collection method: clinical testing. Allele origin: germline.
Comment: This sequence change replaces lysine, which is basic and polar, with threonine, which is neutral and polar, at codon 1007 of the ERCC6L2 protein (p.Lys1007Thr). This variant is present in population databases (no rsID available, gnomAD 0.003%). This variant has not been reported in the literature in individuals affected with ERCC6L2-related conditions. ClinVar contains an entry for this variant (Variation ID: 1338096). Experimental studies and prediction algorithms are not available or were not evaluated, and the functional significance of this variant is currently unknown. In summary, the available evidence is currently insufficient to determine the role of this variant in disease. Therefore, it has been classified as a Variant of Uncertain Significance.

Genetic Services Laboratory, University of Chicago
Classification: Uncertain significance. Last evaluated: 2021-10-05. Review status: criteria provided, single submitter. Criteria: ACMG Guidelines, 2015. Collection method: clinical testing. Allele origin: germline. Affected: no.
Comment: DNA sequence analysis of the ERCC6L2 gene demonstrated a sequence change, c.3020A>C, in exon 16 that results in an amino acid change, p.Lys1007Thr. This sequence change does not appear to have been previously described in individuals with ERCC6L2-related disorders. This sequence change has been described in one non-Finnish European individual and one individual with unknown ethnic origin in the gnomAD population database (dbSNP rs1361989152). The p.Lys1007Thr change affects a poorly conserved amino acid residue of the ERCC6L2 protein. The p.Lys1007Thr substitution appears to be benign using several in-silico pathogenicity prediction tools (SIFT, Align GVGD). Due to insufficient evidence and the lack of functional studies, the clinical significance of the p.Lys1007Thr change remains unknown at this time.